The following is an entry in ClinVar:

NM_000459.5(TEK):c.2018G>A (p.Arg673His)

Gene: TEK (TEK receptor tyrosine kinase; plus strand). Cytogenetic location: 9p21.2.
Variant type: single nucleotide variant.
Coding change: c.2018G>A on transcript NM_000459.5 (MANE Select); coding-DNA position 2018, G replaced by A.
Protein change: p.Arg673His; replaces arginine 673 with histidine.
Molecular consequence: missense variant.
Genome position (GRCh38, 1-based): chr9:27,202,928, G>A. VCF-style: chr9-27202928-G-A. GRCh37 (hg19) VCF-style: chr9-27202926-G-A.
Other names: c.1889G>A, p.Arg630His (NM_001290077.2, NM_001375476.1); c.1577G>A, p.Arg526His (NM_001290078.2); c.2018G>A, p.Arg673His (NM_001375475.1); short protein forms R630H, R673H, R526H.
Identifiers: ClinVar variation 2369326 (VCV002369326.5), dbSNP rs772637203, ClinGen allele CA5016389.

ClinVar aggregate classification (germline): Uncertain significance. Review status: criteria provided, multiple submitters, no conflicts (2 of 4 stars). 2 submissions from 2 submitters: Uncertain significance (2). Last evaluated 2023-03-12.

Conditions:
Inborn genetic diseases. Identifiers: MedGen C0950123, MeSH D030342.

Allele frequency attached by ClinVar (database versions not stated): ExAC 0.00002; gnomAD 0.00003; TOPMed 0.00003.
gnomAD v4.1: 89 of 1,613,846 alleles (0.0055%); highest among the groups gnomAD compares: Middle Eastern, 0.033%; no homozygotes.

Submissions (2):

Labcorp Genetics (formerly Invitae), Labcorp
Classification: Uncertain significance. Last evaluated: 2023-03-12. Review status: criteria provided, single submitter. Criteria: Invitae Variant Classification Sherloc (09022015). Collection method: clinical testing. Allele origin: germline.
Comment: In summary, the available evidence is currently insufficient to determine the role of this variant in disease. Therefore, it has been classified as a Variant of Uncertain Significance. Advanced modeling of protein sequence and biophysical properties (such as structural, functional, and spatial information, amino acid conservation, physicochemical variation, residue mobility, and thermodynamic stability) performed at Invitae indicates that this missense variant is not expected to disrupt TEK protein function. ClinVar contains an entry for this variant (Variation ID: 2369326). This variant has not been reported in the literature in individuals affected with TEK-related conditions. This variant is present in population databases (rs772637203, gnomAD 0.01%). This sequence change replaces arginine, which is basic and polar, with histidine, which is basic and polar, at codon 673 of the TEK protein (p.Arg673His).

Ambry Genetics
Classification: Uncertain significance for Inborn genetic diseases. Last evaluated: 2021-09-30. Review status: criteria provided, single submitter. Criteria: Ambry Variant Classification Scheme 2023. Collection method: clinical testing. Allele origin: germline.